The following is an entry in ClinVar:

NM_020549.5(CHAT):c.2081C>G (p.Ser694Cys)

Gene: CHAT (choline O-acetyltransferase; plus strand). Cytogenetic location: 10q11.23.
Variant type: single nucleotide variant.
Coding change: c.2081C>G on transcript NM_020549.5 (MANE Select); coding-DNA position 2081, C replaced by G.
Protein change: p.Ser694Cys; replaces serine 694 with cysteine.
Molecular consequence: missense variant.
Genome position (GRCh38, 1-based): chr10:49,664,880, C>G. VCF-style: chr10-49664880-C-G. GRCh37 (hg19) VCF-style: chr10-50872926-C-G.
Other names: c.1727C>G, p.Ser576Cys (NM_001142929.2, NM_001142934.2, NM_020984.4 and 2 more transcripts); c.1835C>G, p.Ser612Cys (NM_001142933.2); short protein forms S576C, S694C, S612C.
Identifiers: ClinVar variation 523529 (VCV000523529.5), dbSNP rs201439531, ClinGen allele CA206624072.

ClinVar aggregate classification (germline): Pathogenic. Review status: criteria provided, multiple submitters, no conflicts (2 of 4 stars). 2 submissions from 2 submitters: Pathogenic (2). Last evaluated 2023-04-26.

Conditions:
Gastroesophageal reflux. Identifiers: MedGen C4317146, HP:0002020.
External ophthalmoplegia (CPEO). Identifiers: MedGen C0162292, HP:0000544.
Febrile seizure (within the age range of 3 months to 6 years). Also called: Febrile seizures; Febrile seizure; febrile convulsion. Identifiers: MedGen C0009952, HP:0002373.
Pes planus. Also called: flatfoot; Flat feet. Identifiers: MedGen C0016202, MONDO:0005293, HP:0001763.
Lactic acidosis. Identifiers: MedGen C0001125, MONDO:0006040, HP:0003128.
Aspiration pneumonia. Also called: Aspiration pneumonia (disease). Identifiers: MedGen C0032290, MONDO:0000265, HP:0011951.
Central sleep apnea. Identifiers: MedGen C0520680, MeSH D020182, HP:0010536.
Respiratory insufficiency. Identifiers: MedGen C0035229, HP:0002093.
Progressive ptosis. Identifiers: MedGen C1834015, HP:0007838.
Decreased activity of the pyruvate dehydrogenase complex. Identifiers: MedGen C1839888, HP:0002928.
Progressive muscle weakness. Identifiers: MedGen C0240421, HP:0003323.
Familial infantile myasthenia (CMS6). Also called: MYASTHENIC SYNDROME, CONGENITAL, 6, PRESYNAPTIC; Congenital myasthenic syndrome type 6; MYASTHENIC SYNDROME, PRESYNAPTIC, CONGENITAL, ASSOCIATED WITH EPISODIC APNEA. Identifiers: Orphanet 590, MedGen C0393929, MONDO:0009689, OMIM 254210.

Allele frequency attached by ClinVar (database versions not stated): gnomAD 0.00001.
gnomAD v4.1: 1 of 1,614,136 alleles (0.000062%); highest among the groups gnomAD compares: Non-Finnish European, 0.000085%; no homozygotes.

Submissions (2):

Labcorp Genetics (formerly Invitae), Labcorp
Classification: Pathogenic for Familial infantile myasthenia. Last evaluated: 2023-04-26. Review status: criteria provided, single submitter. Criteria: Invitae Variant Classification Sherloc (09022015). Collection method: clinical testing. Allele origin: germline.
Comment: This sequence change replaces serine, which is neutral and polar, with cysteine, which is neutral and slightly polar, at codon 694 of the CHAT protein (p.Ser694Cys). This variant is not present in population databases (gnomAD no frequency). This missense change has been observed in individual(s) with congenital myasthenic syndrome (PMID: 12548525, 15701560). In at least one individual the data is consistent with being in trans (on the opposite chromosome) from a pathogenic variant. ClinVar contains an entry for this variant (Variation ID: 523529). Advanced modeling of protein sequence and biophysical properties (such as structural, functional, and spatial information, amino acid conservation, physicochemical variation, residue mobility, and thermodynamic stability) has been performed at Invitae for this missense variant, however the output from this modeling did not meet the statistical confidence thresholds required to predict the impact of this variant on CHAT protein function. For these reasons, this variant has been classified as Pathogenic.

Centre for Mendelian Genomics, University Medical Centre Ljubljana
Classification: Pathogenic for Aspiration pneumonia; Central sleep apnea; Decreased activity of the pyruvate dehydrogenase complex; External ophthalmoplegia; Febrile seizure (within the age range of 3 months to 6 years); Gastroesophageal reflux; Lactic acidosis; Pes planus; Progressive muscle weakness; Progressive ptosis; Respiratory insufficiency. Last evaluated: 2017-01-01. Review status: criteria provided, single submitter. Criteria: ACMG Guidelines, 2015. Collection method: clinical testing. Allele origin: unknown. Affected: yes.

Literature cited by the submitters: PubMed 12548525 (cited by Labcorp Genetics (formerly Invitae), Labcorp); PubMed 15701560 (cited by Labcorp Genetics (formerly Invitae), Labcorp).